The following is an entry in ClinVar:

NM_018417.6(ADCY10):c.239G>A (p.Ser80Asn)

Genes: ADCY10 (adenylate cyclase 10; minus strand), DCAF6 (DDB1 and CUL4 associated factor 6; plus strand). Cytogenetic location: 1q24.2.
Variant type: single nucleotide variant.
Coding change: c.239G>A on transcript NM_018417.6 (MANE Select); coding-DNA position 239, G replaced by A.
Protein change: p.Ser80Asn; replaces serine 80 with asparagine.
Molecular consequence: missense variant. On other transcripts: 5 prime UTR variant (1), intron variant (1).
Genome position (GRCh38, 1-based): chr1:167,903,901, C>T on the plus strand (G>A on the coding strand, the complement: ADCY10 is on the minus strand). VCF-style: chr1-167903901-C-T. GRCh37 (hg19) VCF-style: chr1-167873139-C-T.
Other names: c.-75G>A (NM_001297772.2); c.-62-1847G>A (NM_001167749.3); short protein forms S80N.
Identifiers: ClinVar variation 1387726 (VCV001387726.8), dbSNP rs375317807, ClinGen allele CA1228372.

ClinVar aggregate classification (germline): Uncertain significance (1 of 4 stars; one submission).

Allele frequency attached by ClinVar (database versions not stated): gnomAD exomes below 0.00001 and 0.00001; ExAC 0.00001; ESP Exome Variant Server 0.00008; gnomAD 0.00009 and 0.00011; TOPMed 0.00009.
gnomAD v4.1: 17 of 1,612,076 alleles (0.0011%); highest among the groups gnomAD compares: African/African-American, 0.021%; no homozygotes.

Submission:

Labcorp Genetics (formerly Invitae), Labcorp
Classification: Uncertain significance. Last evaluated: 2024-12-02. Review status: criteria provided, single submitter. Criteria: Invitae Variant Classification Sherloc (09022015). Collection method: clinical testing. Allele origin: germline.
Comment: This sequence change replaces serine, which is neutral and polar, with asparagine, which is neutral and polar, at codon 80 of the ADCY10 protein (p.Ser80Asn). This variant is present in population databases (rs375317807, gnomAD 0.02%). This variant has not been reported in the literature in individuals affected with ADCY10-related conditions. ClinVar contains an entry for this variant (Variation ID: 1387726). An algorithm developed to predict the effect of missense changes on protein structure and function (PolyPhen-2) suggests that this variant is likely to be disruptive. In summary, the available evidence is currently insufficient to determine the role of this variant in disease. Therefore, it has been classified as a Variant of Uncertain Significance.